The following is an entry in ClinVar:

ClinVar aggregate classification (germline): Likely benign (1 of 4 stars; one submission).

Submission:

CeGaT Center for Human Genetics Tuebingen
Classification: Likely benign. Last evaluated: 2024-08-01. Review status: criteria provided, single submitter. Criteria: CeGaT Center For Human Genetics Tuebingen Variant Classification Criteria Version 2. Collection method: clinical testing. Allele origin: germline. Affected: yes. Observed: 1 variant allele.
Comment: PATL2: BP4, BS2

NM_001387263.1(PATL2):c.466C>T (p.Pro156Ser)

Genes: PATL2 (PAT1 homolog 2; minus strand), LOC130056977 (ATAC-STARR-seq lymphoblastoid active region 9346; plus strand). Cytogenetic location: 15q21.1.
Variant type: single nucleotide variant.
Coding change: c.466C>T on transcript NM_001387263.1 (MANE Select); coding-DNA position 466, C replaced by T.
Protein change: p.Pro156Ser; replaces proline 156 with serine.
Molecular consequence: missense variant. On other transcripts: 5 prime UTR variant (1).
Genome position (GRCh38, 1-based): chr15:44,672,437, G>A on the plus strand (C>T on the coding strand, the complement: PATL2 is on the minus strand). VCF-style: chr15-44672437-G-A. GRCh37 (hg19) VCF-style: chr15-44964635-G-A.
Other names: c.466C>T, p.Pro156Ser (NM_001145112.2, NM_001387260.1, NM_001387261.1 and 2 more transcripts); c.-185C>T (NM_001330283.2); short protein forms P156S.
Identifiers: ClinVar variation 3341563 (VCV003341563.16).